The following is an entry in ClinVar:

NM_018191.4(RCBTB1):c.118_120del (p.Asn40del)

Gene: RCBTB1 (RCC1 and BTB domain containing protein 1; minus strand). Cytogenetic location: 13q14.2.
Variant type: Deletion.
Coding change: c.118_120del on transcript NM_018191.4 (MANE Select); coding-DNA positions 118 to 120, 3 bases deleted (AAT; older notation c.118_120delAAT).
Protein change: p.Asn40del; deletes asparagine 40.
Molecular consequence: inframe deletion. On other transcripts: 5 prime UTR variant (1), non-coding transcript variant (2).
Genome position (GRCh38, 1-based): chr13:49,567,160-49,567,162, ATT deleted on the plus strand (AAT on the coding strand, the reverse complement: RCBTB1 is on the minus strand). VCF-style (leftmost placement, unchanged base first): chr13-49567159-CATT-C. GRCh37 (hg19) VCF-style: chr13-50141295-CATT-C.
Other names: c.118_120del, p.Asn40del (NM_001352500.2, NM_001352501.2, NM_001352502.2 and 3 more transcripts); c.-492_-490del (NM_001352506.2); short protein forms N40del.
Identifiers: ClinVar variation 1358487 (VCV001358487.8), dbSNP rs780755741, ClinGen allele CA6983017.
Genomic context (GRCh38, chr13:49,567,159, plus strand): 5'-AAGACCAATTGCCAAATAAGTCCTAAAACGAAACTAGGTTTCAAGAGACTCTTACCTCAT[CATT>C]GTCAGTAACGTACAGTGCTTCACTGGCTGAGGTGCCGAAGACACACGCCTTCCGAATAGA-3'

ClinVar aggregate classification (germline): Uncertain significance (1 of 4 stars; one submission).

Allele frequency attached by ClinVar (database versions not stated): TOPMed below 0.00001; ExAC 0.00001; gnomAD exomes 0.00001.

Submission:

Labcorp Genetics (formerly Invitae), Labcorp
Classification: Uncertain significance. Last evaluated: 2025-05-12. Review status: criteria provided, single submitter. Criteria: Invitae Variant Classification Sherloc (09022015). Collection method: clinical testing. Allele origin: germline.
Comment: This variant, c.118_120del, results in the deletion of 1 amino acid(s) of the RCBTB1 protein (p.Asn40del), but otherwise preserves the integrity of the reading frame. This variant is present in population databases (rs780755741, gnomAD 0.01%). This variant has not been reported in the literature in individuals affected with RCBTB1-related conditions. ClinVar contains an entry for this variant (Variation ID: 1358487). Experimental studies and prediction algorithms are not available or were not evaluated, and the functional significance of this variant is currently unknown. In summary, the available evidence is currently insufficient to determine the role of this variant in disease. Therefore, it has been classified as a Variant of Uncertain Significance.